The following is an entry in ClinVar:

ClinVar aggregate classification (germline): Uncertain significance. Review status: criteria provided, multiple submitters, no conflicts (2 of 4 stars). 2 submissions from 2 submitters: Uncertain significance (2). Last evaluated 2022-08-02.

Allele frequency attached by ClinVar (database versions not stated): TOPMed below 0.00001; gnomAD 0.00001; gnomAD exomes 0.00002.

Submissions (2):

Ambry Genetics
Classification: Uncertain significance. Last evaluated: 2022-08-02. Review status: criteria provided, single submitter. Criteria: Ambry Variant Classification Scheme 2023. Collection method: clinical testing. Allele origin: germline.

Labcorp Genetics (formerly Invitae), Labcorp
Classification: Uncertain significance. Last evaluated: 2022-07-21. Review status: criteria provided, single submitter. Criteria: Invitae Variant Classification Sherloc (09022015). Collection method: clinical testing. Allele origin: germline.
Comment: In summary, the available evidence is currently insufficient to determine the role of this variant in disease. Therefore, it has been classified as a Variant of Uncertain Significance. Algorithms developed to predict the effect of missense changes on protein structure and function (SIFT, PolyPhen-2, Align-GVGD) all suggest that this variant is likely to be tolerated. ClinVar contains an entry for this variant (Variation ID: 1058095). This variant has not been reported in the literature in individuals affected with AHR-related conditions. This variant is not present in population databases (gnomAD no frequency). This sequence change replaces alanine, which is neutral and non-polar, with threonine, which is neutral and polar, at codon 313 of the AHR protein (p.Ala313Thr).

NM_001621.5(AHR):c.937G>A (p.Ala313Thr)

Gene: AHR (aryl hydrocarbon receptor; plus strand). Cytogenetic location: 7p21.1.
Variant type: single nucleotide variant.
Coding change: c.937G>A on transcript NM_001621.5 (MANE Select); coding-DNA position 937, G replaced by A.
Protein change: p.Ala313Thr; replaces alanine 313 with threonine.
Molecular consequence: missense variant.
Genome position (GRCh38, 1-based): chr7:17,334,915, G>A. VCF-style: chr7-17334915-G-A. GRCh37 (hg19) VCF-style: chr7-17374539-G-A.
Other names: c.937G>A (NM_001621.4); short protein forms A313T.
Identifiers: ClinVar variation 1058095 (VCV001058095.10), dbSNP rs1212349498, ClinGen allele CA366892452.